The following is an entry in ClinVar:

ClinVar aggregate classification (germline): Uncertain significance (1 of 4 stars; one submission).

Conditions:
Severe combined immunodeficiency due to DNA-PKcs deficiency. Also called: IMMUNODEFICIENCY 26 WITH NEUROLOGIC ABNORMALITIES; Immunodeficiency 26 with or without neurologic abnormalities. Identifiers: Orphanet 317425, MedGen C4014833, MONDO:0014423, OMIM 615966.

Allele frequency attached by ClinVar (database versions not stated): ExAC 0.00002; gnomAD exomes 0.00002 and 0.00005; gnomAD 0.00005; TOPMed 0.00005; ESP Exome Variant Server 0.00008; 1000 Genomes Project 30x 0.00016; 1000 Genomes Project 0.00020.
gnomAD v4.1: 77 of 1,613,914 alleles (0.0048%); highest among the groups gnomAD compares: African/African-American, 0.0093%; no homozygotes.

Submission:

Labcorp Genetics (formerly Invitae), Labcorp
Classification: Uncertain significance for Severe combined immunodeficiency due to DNA-PKcs deficiency. Last evaluated: 2022-10-25. Review status: criteria provided, single submitter. Criteria: Invitae Variant Classification Sherloc (09022015). Collection method: clinical testing. Allele origin: germline.
Comment: In summary, the available evidence is currently insufficient to determine the role of this variant in disease. Therefore, it has been classified as a Variant of Uncertain Significance. Advanced modeling of protein sequence and biophysical properties (such as structural, functional, and spatial information, amino acid conservation, physicochemical variation, residue mobility, and thermodynamic stability) performed at Invitae indicates that this missense variant is not expected to disrupt PRKDC protein function. ClinVar contains an entry for this variant (Variation ID: 940581). This variant has not been reported in the literature in individuals affected with PRKDC-related conditions. This variant is present in population databases (rs377160171, gnomAD 0.01%). This sequence change replaces cysteine, which is neutral and slightly polar, with arginine, which is basic and polar, at codon 4045 of the PRKDC protein (p.Cys4045Arg).

NM_006904.7(PRKDC):c.12133T>C (p.Cys4045Arg)

Gene: PRKDC (protein kinase, DNA-activated, catalytic subunit; minus strand). Cytogenetic location: 8q11.21.
Variant type: single nucleotide variant.
Coding change: c.12133T>C on transcript NM_006904.7 (MANE Select); coding-DNA position 12133, T replaced by C.
Protein change: p.Cys4045Arg; replaces cysteine 4045 with arginine.
Molecular consequence: missense variant.
Genome position (GRCh38, 1-based): chr8:47,776,893, A>G on the plus strand (T>C on the coding strand, the complement: PRKDC is on the minus strand). VCF-style: chr8-47776893-A-G. GRCh37 (hg19) VCF-style: chr8-48689454-A-G.
Other names: c.12040T>C, p.Cys4014Arg (NM_001081640.2); short protein forms C4014R, C4045R.
Identifiers: ClinVar variation 940581 (VCV000940581.5), dbSNP rs377160171, ClinGen allele CA4738900.